The following is an entry in ClinVar:

NM_000548.5(TSC2):c.3118_3126del (p.Ala1040_Pro1042del)

Gene: TSC2 (TSC complex subunit 2; plus strand). Cytogenetic location: 16p13.3.
Variant type: Deletion.
Coding change: c.3118_3126del on transcript NM_000548.5 (MANE Select); coding-DNA positions 3118 to 3126, 9 bases deleted (GCTGTCCCG; older notation c.3118_3126delGCTGTCCCG).
Protein change: p.Ala1040_Pro1042del.
Molecular consequence: inframe deletion. On other transcripts: non-coding transcript variant (5).
Genome position (GRCh38, 1-based): chr16:2,079,183-2,079,191, GCTGTCCCG deleted; deleting any 9 consecutive bases within chr16:2,079,181-2,079,191 gives the same sequence; the c. name uses the placement nearest the transcript's 3' end. VCF-style (leftmost placement, unchanged base first): chr16-2079180-ACGGCTGTCC-A. GRCh37 (hg19) VCF-style: chr16-2129181-ACGGCTGTCC-A.
Other names: c.2839_2847del, p.Ala947_Pro949del (NM_001406679.1); c.2518_2526del, p.Ala840_Pro842del (NM_001406680.1, NM_001406682.1, NM_001406683.1); c.2527_2535del, p.Ala843_Pro845del (NM_001406681.1); c.2515_2523del, p.Ala839_Pro841del (NM_001406684.1); c.2389_2397del, p.Ala797_Pro799del (NM_001406685.1, NM_001406686.1); c.2386_2394del, p.Ala796_Pro798del (NM_001406687.1, NM_001406688.1, NM_001318831.2); c.1774_1782del, p.Ala592_Pro594del (NM_001406689.1); c.1645_1653del, p.Ala549_Pro551del (NM_001406690.1, NM_001406692.1, NM_001406693.1 and 1 more transcripts); and 18 more.
Identifiers: ClinVar variation 2752187 (VCV002752187.3), dbSNP rs2544037290, ClinGen allele CA2697549494.

ClinVar aggregate classification (germline): Uncertain significance (1 of 4 stars; one submission).

Conditions:
Tuberous sclerosis 2 (TSC2). Identifiers: Orphanet 805, MedGen C1860707, MONDO:0013199, OMIM 613254.

Submission:

Labcorp Genetics (formerly Invitae), Labcorp
Classification: Uncertain significance for Tuberous sclerosis 2. Last evaluated: 2023-08-11. Review status: criteria provided, single submitter. Criteria: Invitae Variant Classification Sherloc (09022015). Collection method: clinical testing. Allele origin: germline.
Comment: In summary, the available evidence is currently insufficient to determine the role of this variant in disease. Therefore, it has been classified as a Variant of Uncertain Significance. Experimental studies and prediction algorithms are not available or were not evaluated, and the functional significance of this variant is currently unknown. This variant has not been reported in the literature in individuals affected with TSC2-related conditions. This variant is not present in population databases (gnomAD no frequency). This variant, c.3118_3126del, results in the deletion of 3 amino acid(s) of the TSC2 protein (p.Ala1040_Pro1042del), but otherwise preserves the integrity of the reading frame.